The following is an entry in ClinVar:

NM_003900.5(SQSTM1):c.171G>C (p.Ala57=)

Genes: SQSTM1 (sequestosome 1; plus strand), LOC129995449 (ATAC-STARR-seq lymphoblastoid silent region 16749; plus strand). Cytogenetic location: 5q35.3.
Variant type: single nucleotide variant.
Coding change: c.171G>C on transcript NM_003900.5 (MANE Select); coding-DNA position 171, G replaced by C.
Protein change: p.Ala57=; no amino-acid change (alanine 57 retained).
Molecular consequence: synonymous variant. On other transcripts: intron variant (2).
Genome position (GRCh38, 1-based): chr5:179,821,107, G>C. VCF-style: chr5-179821107-G-C. GRCh37 (hg19) VCF-style: chr5-179248107-G-C.
Other names: c.171G>C (NM_003900.4); c.-47-1851G>C (NM_001142298.2, NM_001142299.2).
Identifiers: ClinVar variation 1093073 (VCV001093073.11), dbSNP rs773605598, ClinGen allele CA3600381.

ClinVar aggregate classification (germline): Likely benign. Review status: criteria provided, single submitter (1 of 4 stars). 2 submissions from 2 submitters: Likely benign (1). 1 of the submissions does not count toward it. Last evaluated 2022-12-06.

Conditions:
Frontotemporal dementia and/or amyotrophic lateral sclerosis 1 (FTDALS1). Also called: C9orf72 Frontotemporal Dementia and/or Amyotrophic Lateral Sclerosis; Frontotemporal dementia with motor neuron disease 1. Identifiers: Orphanet 275872, MedGen C5779877, MONDO:0007105, OMIM 105550.
Paget disease of bone 2, early-onset (PDB2). Also called: Paget disease of bone 2. Identifiers: MedGen C4085251, MONDO:0011183, OMIM 602080.
SQSTM1-related disorder. Also called: SQSTM1-Related Disorders.

Allele frequency attached by ClinVar (database versions not stated): TOPMed 0.00006; gnomAD 0.00008 and 0.00009.
gnomAD v4.1: 15 of 1,407,352 alleles (0.0011%); highest among the groups gnomAD compares: African/African-American, 0.022%; no homozygotes.

Submissions (2):

Labcorp Genetics (formerly Invitae), Labcorp
Classification: Likely benign for Paget disease of bone 2, early-onset; Frontotemporal dementia and/or amyotrophic lateral sclerosis 1. Last evaluated: 2022-12-06. Review status: criteria provided, single submitter. Criteria: Invitae Variant Classification Sherloc (09022015). Collection method: clinical testing. Allele origin: germline.

PreventionGenetics, part of Exact Sciences
Classification: Likely benign for SQSTM1-related condition. Last evaluated: 2023-03-10. Review status: no assertion criteria provided. Collection method: clinical testing. Allele origin: germline. Not counted in ClinVar's aggregate classification.
Comment: This variant is classified as likely benign based on ACMG/AMP sequence variant interpretation guidelines (Richards et al. 2015 PMID: 25741868, with internal and published modifications).